The following is an entry in ClinVar:

ClinVar aggregate classification (germline): other (0 of 4 stars; one submission).

Conditions:
Familial colorectal cancer. Identifiers: MedGen CN280943, MONDO:0023113. Disease mechanism: loss of function.

Submission:

Systems Biology Platform Zhejiang California International NanoSystems Institute
Classification: other for Familial colorectal cancer. Review status: no assertion criteria provided. Collection method: not provided. Allele origin: unknown.
ClinVar note: Converted during submission from cancer to other.

NC_000005.10:g.112846682G>A

Variant type: single nucleotide variant.
Genome position: GRCh38 VCF-style: chr5-112846682-G-A. GRCh37 (hg19) VCF-style: chr5-112182379-G-A.
Identifiers: ClinVar variation 83272 (VCV000083272.2), dbSNP rs386830, ClinGen allele CA250964.